The following is an entry in ClinVar:

ClinVar aggregate classification (germline): Likely benign. Review status: criteria provided, multiple submitters, no conflicts (2 of 4 stars). 2 submissions from 2 submitters: Likely benign (2). Last evaluated 2023-09-22.

Conditions:
Familial hypobetalipoproteinemia 1. Also called: Hypobetalipoproteinemia, normotriglyceridemic; Acanthocytosis with hypobetalipoproteinemia; APOB-Related Familial Hypobetalipoproteinemia. Identifiers: MedGen C4551990, MONDO:0014252, OMIM 615558.
Hypercholesterolemia, autosomal dominant, type B (FHCL2). Also called: Familial hypercholesterolemia 2; APOB-Related Familial Hypercholesterolemia, Autosomal Dominant; HYPERCHOLESTEROLEMIA, FAMILIAL, DUE TO LIGAND-DEFECTIVE APOLIPOPROTEIN B; Familial Hypercholesterolemia Type B; APOLIPOPROTEIN B-100, FAMILIAL DEFECTIVE; APOLIPOPROTEIN B-100, FAMILIAL LIGAND-DEFECTIVE. Identifiers: MedGen C1704417, MONDO:0007751, OMIM 144010.

Allele frequency attached by ClinVar (database versions not stated): gnomAD exomes below 0.00001; TOPMed below 0.00001; ExAC 0.00001; gnomAD 0.00001.
gnomAD v4.1: 2 of 1,609,154 alleles (0.00012%); highest among the groups gnomAD compares: Non-Finnish European, 0.00017%; no homozygotes.

Submissions (2):

Labcorp Genetics (formerly Invitae), Labcorp
Classification: Likely benign for Familial hypobetalipoproteinemia 1; Hypercholesterolemia, autosomal dominant, type B. Last evaluated: 2023-09-22. Review status: criteria provided, single submitter. Criteria: Invitae Variant Classification Sherloc (09022015). Collection method: clinical testing. Allele origin: germline.

GeneDx
Classification: Likely benign. Last evaluated: 2017-02-17. Review status: criteria provided, single submitter. Criteria: GeneDx Variant Classification (06012015). Collection method: clinical testing. Allele origin: germline. Affected: yes.
Comment: This variant is considered likely benign or benign based on one or more of the following criteria: it is a conservative change, it occurs at a poorly conserved position in the protein, it is predicted to be benign by multiple in silico algorithms, and/or has population frequency not consistent with disease.

NM_000384.3(APOB):c.12636T>C (p.Thr4212=)

Gene: APOB (apolipoprotein B; minus strand). Cytogenetic location: 2p24.1.
Variant type: single nucleotide variant.
Coding change: c.12636T>C on transcript NM_000384.3 (MANE Select); coding-DNA position 12636, T replaced by C.
Protein change: p.Thr4212=; no amino-acid change (threonine 4212 retained).
Molecular consequence: synonymous variant.
Genome position (GRCh38, 1-based): chr2:21,002,786, A>G on the plus strand (T>C on the coding strand, the complement: APOB is on the minus strand). VCF-style: chr2-21002786-A-G. GRCh37 (hg19) VCF-style: chr2-21225658-A-G.
Identifiers: ClinVar variation 507568 (VCV000507568.4), dbSNP rs772812955, ClinGen allele CA050740.